The following is an entry in ClinVar:

ClinVar aggregate classification (germline): Pathogenic/Likely pathogenic. Review status: criteria provided, multiple submitters, no conflicts (2 of 4 stars). 3 submissions from 3 submitters: Pathogenic (2); Likely pathogenic (1). Last evaluated 2022-05-04.

Conditions:
Generalized epilepsy with febrile seizures plus, type 2 (GEFSP2). Also called: GEFS+, TYPE 2. Identifiers: Orphanet 36387, MedGen C1858673, MONDO:0011461, OMIM 604403.
Early-infantile DEE. Also called: Ohtahara syndrome; Early infantile epileptic encephalopathy with suppression bursts; Early infantile epileptic encephalopathy. Identifiers: Orphanet 1934, MedGen C0393706, MONDO:0800491.

Submissions (3):

Mendelics
Classification: Pathogenic for Generalized epilepsy with febrile seizures plus, type 2. Last evaluated: 2022-05-04. Review status: criteria provided, single submitter. Criteria: Mendelics Assertion Criteria 2019. Collection method: clinical testing. Allele origin: germline.

Labcorp Genetics (formerly Invitae), Labcorp
Classification: Pathogenic for Early-infantile DEE. Last evaluated: 2022-02-04. Review status: criteria provided, single submitter. Criteria: Invitae Variant Classification Sherloc (09022015). Collection method: clinical testing. Allele origin: germline.
Comment: This missense change has been observed in individual(s) with SCN1A-related conditions (Invitae). It has also been observed to segregate with disease in related individuals. This variant is not present in population databases (gnomAD no frequency). This sequence change replaces arginine, which is basic and polar, with leucine, which is neutral and non-polar, at codon 862 of the SCN1A protein (p.Arg862Leu). ClinVar contains an entry for this variant (Variation ID: 871911). For these reasons, this variant has been classified as Pathogenic. This variant disrupts the p.Arg862 amino acid residue in SCN1A. Other variant(s) that disrupt this residue have been determined to be pathogenic (PMID: 20110217, 21248271). This suggests that this residue is clinically significant, and that variants that disrupt this residue are likely to be disease-causing. Advanced modeling of protein sequence and biophysical properties (such as structural, functional, and spatial information, amino acid conservation, physicochemical variation, residue mobility, and thermodynamic stability) performed at Invitae indicates that this missense variant is expected to disrupt SCN1A protein function.

CeGaT Center for Human Genetics Tuebingen
Classification: Likely pathogenic. Last evaluated: 2019-12-01. Review status: criteria provided, single submitter. Criteria: CeGaT Center For Human Genetics Tuebingen Variant Classification Criteria Version 2. Collection method: clinical testing. Allele origin: germline. Affected: yes. Observed: 5 variant alleles.

Literature cited by the submitters: PubMed 20110217 (cited by Labcorp Genetics (formerly Invitae), Labcorp); PubMed 21248271 (cited by Labcorp Genetics (formerly Invitae), Labcorp).

NM_001165963.4(SCN1A):c.2585G>T (p.Arg862Leu)

Gene: SCN1A (sodium voltage-gated channel alpha subunit 1; minus strand). Cytogenetic location: 2q24.3.
Variant type: single nucleotide variant.
Coding change: c.2585G>T on transcript NM_001165963.4 (MANE Select); coding-DNA position 2585, G replaced by T.
Protein change: p.Arg862Leu; replaces arginine 862 with leucine.
Molecular consequence: missense variant. On other transcripts: non-coding transcript variant (1).
Genome position (GRCh38, 1-based): chr2:166,039,427, C>A on the plus strand (G>T on the coding strand, the complement: SCN1A is on the minus strand). VCF-style: chr2-166039427-C-A. GRCh37 (hg19) VCF-style: chr2-166895937-C-A.
Other names: c.2501G>T, p.Arg834Leu (NM_001165964.3, NM_001353957.2, NM_001353958.2); c.2585G>T, p.Arg862Leu (NM_001202435.3, NM_001353948.2); c.2552G>T, p.Arg851Leu (NM_001353949.2, NM_001353950.2, NM_001353951.2 and 2 more transcripts); c.2549G>T, p.Arg850Leu (NM_001353954.2, NM_001353955.2); c.2498G>T, p.Arg833Leu (NM_001353960.2); c.143G>T, p.Arg48Leu (NM_001353961.2); short protein forms R48L, R851L, R833L, R834L, R850L, R862L.
Identifiers: ClinVar variation 871911 (VCV000871911.50), dbSNP rs121918785, ClinGen allele CA349062315.
Genomic context (GRCh38, chr2:166,039,427, plus strand): 5'-GAACCCTGATTGTTAGAAAGGTTTTTGAATTTGGTGCTTTTTTTTTTTTTTTTTACCAAT[C>A]GAAATGAACGGAGAACAGATAATCCTTCCACATTGGCGAGTCCAAGTTCTACCAGGCTAA-3'
Protein context (NP_001159435.1, residues 852-872): VEGLSVLRSF[Arg862Leu]LLRVFKLAKS